The following is an entry in ClinVar:

ClinVar aggregate classification (germline): Conflicting classifications of pathogenicity. Review status: criteria provided, conflicting classifications (1 of 4 stars). 4 submissions from 4 submitters: Uncertain significance (1); Likely benign (3). Last evaluated 2025-11-17.

Allele frequency attached by ClinVar (database versions not stated): gnomAD exomes below 0.00001; gnomAD 0.00002.
gnomAD v4.1: 3 of 1,204,046 alleles (0.00025%); highest among the groups gnomAD compares: Middle Eastern, 0.072%; no homozygotes.

Submissions (4):

Labcorp Genetics (formerly Invitae), Labcorp
Classification: Likely benign. Last evaluated: 2025-11-17. Review status: criteria provided, single submitter. Criteria: Invitae Variant Classification Sherloc (09022015). Collection method: clinical testing. Allele origin: germline.

Blueprint Genetics
Classification: Likely benign. Last evaluated: 2023-11-22. Review status: criteria provided, single submitter. Criteria: ACMG Guidelines, 2015. Collection method: clinical testing. Allele origin: germline.

CeGaT Center for Human Genetics Tuebingen
Classification: Likely benign. Last evaluated: 2023-04-01. Review status: criteria provided, single submitter. Criteria: CeGaT Center For Human Genetics Tuebingen Variant Classification Criteria Version 2. Collection method: clinical testing. Allele origin: germline. Affected: yes. Observed: 4 variant alleles.
Comment: OPHN1: BP4, BP7

Eurofins Ntd Llc (ga)
Classification: Uncertain significance. Last evaluated: 2015-07-30. Review status: criteria provided, single submitter. Criteria: EGL Classification Definitions 2015. Collection method: clinical testing. Allele origin: germline. Observed: 2 variant alleles, 2 heterozygotes.

NM_002547.3(OPHN1):c.360G>A (p.Arg120=)

Gene: OPHN1 (oligophrenin 1; minus strand). Cytogenetic location: Xq12.
Variant type: single nucleotide variant.
Coding change: c.360G>A on transcript NM_002547.3 (MANE Select); coding-DNA position 360, G replaced by A.
Protein change: p.Arg120=; no amino-acid change (arginine 120 retained).
Molecular consequence: synonymous variant.
Genome position (GRCh38, 1-based): chrX:68,274,762, C>T on the plus strand (G>A on the coding strand, the complement: OPHN1 is on the minus strand). VCF-style: chrX-68274762-C-T. GRCh37 (hg19) VCF-style: chrX-67494604-C-T.
Identifiers: ClinVar variation 167408 (VCV000167408.41), dbSNP rs727504062, ClinGen allele CA234473.
Genomic context (GRCh38, chrX:68,274,762, plus strand): 5'-ATTTTAAAAAATCTTATGCATATACAGAAAATGTACCTTGGTGAAGCCTATTTGTTCCTT[C>T]CGGAAATTTTCCAAGGGTTTAATCAGCAAATCACTAGCATTGTGTACCTAGACAAAAAGG-3'
Protein context (NP_002538.1, residues 110-130): DLLIKPLENF[Arg120=]KEQIGFTKER